The following is an entry in ClinVar:

NM_024605.4(ARHGAP10):c.1116+21A>G

Gene: ARHGAP10 (Rho GTPase activating protein 10; plus strand). Cytogenetic location: 4q31.23.
Variant type: single nucleotide variant.
Coding change: c.1116+21A>G on transcript NM_024605.4 (MANE Select); 21 bases into the intron after coding-DNA position 1116, A replaced by G.
Molecular consequence: intron variant.
Genome position (GRCh38, 1-based): chr4:147,906,740, A>G. VCF-style: chr4-147906740-A-G. GRCh37 (hg19) VCF-style: chr4-148827891-A-G.
Identifiers: ClinVar variation 120313 (VCV000120313.1), dbSNP rs483352831, ClinGen allele CA230654.
Genomic context (GRCh38, chr4:147,906,740, plus strand): 5'-AAGGAAGCAGTGGTTGGAAGCTCTGGGTGGAAAGGAAGCTGTAAGAATAATCAATGGTTG[A>G]GTTTTATTTCAAAGCCTTTAGAGTTGACTTGCATTCATTTTTATGTTATTTTTGTGTAGT-3'

ClinVar aggregate classification (germline): not provided (0 of 4 stars; one submission).

Allele frequency attached by ClinVar (database versions not stated): gnomAD exomes 0.00001; TOPMed 0.00001 and 0.00002; ExAC 0.00002; gnomAD 0.00001.
gnomAD v4.1: 5 of 1,613,240 alleles (0.00031%); highest among the groups gnomAD compares: East Asian, 0.0089%; no homozygotes.

Submission:

Department of Psychiatry, Nagoya University
No classification provided. Review status: no classification provided. Collection method: not provided. Allele origin: somatic.